The following is an entry in ClinVar:

ClinVar aggregate classification (germline): Uncertain significance (1 of 4 stars; one submission).

gnomAD v4.1: 3 of 1,594,232 alleles (0.00019%); highest among the groups gnomAD compares: Non-Finnish European, 0.00026%; no homozygotes.

Submission:

CeGaT Center for Human Genetics Tuebingen
Classification: Uncertain significance. Last evaluated: 2026-08-01. Review status: criteria provided, single submitter. Criteria: CeGaT Center For Human Genetics Tuebingen Variant Classification Criteria Version 2. Collection method: clinical testing. Allele origin: germline. Affected: yes. Observed: 1 variant allele.
Comment: CDK19: PP2

NM_015076.5(CDK19):c.134A>G (p.Asp45Gly)

Gene: CDK19 (cyclin dependent kinase 19; minus strand). Cytogenetic location: 6q21.
Variant type: single nucleotide variant.
Coding change: c.134A>G on transcript NM_015076.5 (MANE Select); coding-DNA position 134, A replaced by G.
Protein change: p.Asp45Gly; replaces aspartic acid 45 with glycine.
Molecular consequence: missense variant. On other transcripts: 5 prime UTR variant (2).
Genome position (GRCh38, 1-based): chr6:110,746,196, T>C on the plus strand (A>G on the coding strand, the complement: CDK19 is on the minus strand). VCF-style: chr6-110746196-T-C. GRCh37 (hg19) VCF-style: chr6-111067399-T-C.
Other names: c.134A>G, p.Asp45Gly (NM_001300960.2); c.-47A>G (NM_001300963.2, NM_001300964.2); short protein forms D45G.
Identifiers: ClinVar variation 5040526 (VCV005040526.1).